The following is an entry in ClinVar:

NM_015909.4(NBAS):c.513+2T>C

Gene: NBAS (NBAS subunit of NRZ tethering complex; minus strand). Cytogenetic location: 2p24.3.
Variant type: single nucleotide variant.
Coding change: c.513+2T>C on transcript NM_015909.4 (MANE Select); the canonical splice donor site of the intron after coding-DNA position 513, T replaced by C.
Molecular consequence: splice donor variant.
Genome position (GRCh38, 1-based): chr2:15,539,221, A>G on the plus strand (T>C on the coding strand, the complement: NBAS is on the minus strand). VCF-style: chr2-15539221-A-G. GRCh37 (hg19) VCF-style: chr2-15679345-A-G.
Identifiers: ClinVar variation 1333991 (VCV001333991.9), dbSNP rs1663675984, ClinGen allele CA345887550.

ClinVar aggregate classification (germline): Pathogenic/Likely pathogenic. Review status: criteria provided, multiple submitters, no conflicts (2 of 4 stars). 6 submissions from 6 submitters: Pathogenic (4); Likely pathogenic (2). Last evaluated 2026-01-26.

Conditions:
NBAS-related disorder. Also called: NBAS-related condition.
Infantile liver failure syndrome 2 (ILFS2). Identifiers: MedGen C3809651, MONDO:0014659, OMIM 616483.
Short stature-optic atrophy-Pelger-Huët anomaly syndrome. Also called: Short stature, optic nerve atrophy, and Pelger-Huet anomaly; Short stature-optic atrophy-Pelger-HuC+t anomaly syndrome. Identifiers: Orphanet 391677, MedGen C3541319, MONDO:0013889, OMIM 614800.

Allele frequency attached by ClinVar (database versions not stated): gnomAD exomes below 0.00001; TOPMed below 0.00001; gnomAD 0.00001.
gnomAD v4.1: 8 of 1,614,036 alleles (0.0005%); highest among the groups gnomAD compares: South Asian, 0.0011%; no homozygotes.

Submissions (6):

PreventionGenetics, part of Exact Sciences
Classification: Pathogenic for NBAS-related condition. Last evaluated: 2026-01-26. Review status: criteria provided, single submitter. Criteria: ACMG Guidelines, 2015. Collection method: clinical testing. Allele origin: germline.
Comment: The NBAS c.513+2T>C variant is predicted to disrupt the GT donor site and interfere with normal splicing. This variant along with a second variant in this gene has been reported in at least one individual with elevated liver transaminases/pediatric acute liver failure (Staufner et al. 2020. PubMed ID: 31761904; Table S5, Lenz et al. 2023. PubMed ID: 37976411). This variant has not been reported in a large population database (gnomAD), indicating this variant is rare. Variants that disrupt the consensus splice donor site in NBAS are expected to be pathogenic. This variant is interpreted as pathogenic.

Labcorp Genetics (formerly Invitae), Labcorp
Classification: Pathogenic. Last evaluated: 2025-04-24. Review status: criteria provided, single submitter. Criteria: Invitae Variant Classification Sherloc (09022015). Collection method: clinical testing. Allele origin: germline.
Comment: This sequence change affects a donor splice site in intron 7 of the NBAS gene. It is expected to disrupt RNA splicing. Variants that disrupt the donor or acceptor splice site typically lead to a loss of protein function (PMID: 16199547), and loss-of-function variants in NBAS are known to be pathogenic (PMID: 26073778, 26541327, 27789416, 28031453). This variant is not present in population databases (gnomAD no frequency). Disruption of this splice site has been observed in individual(s) with clinical features of NBAS-related conditions (PMID: 31761904; internal data). It has also been observed to segregate with disease in related individuals. ClinVar contains an entry for this variant (Variation ID: 1333991). Algorithms developed to predict the effect of sequence changes on RNA splicing suggest that this variant may disrupt the consensus splice site. For these reasons, this variant has been classified as Pathogenic.

Victorian Clinical Genetics Services, Murdoch Childrens Research Institute
Classification: Pathogenic for Infantile liver failure syndrome 2. Last evaluated: 2024-10-10. Review status: criteria provided, single submitter. Criteria: ACMG Guidelines, 2015. Collection method: clinical testing. Allele origin: germline. Inheritance: Autosomal recessive inheritance. Affected: yes.
Comment: Based on the classification scheme VCGS_Germline_v1.3.4, this variant is classified as Pathogenic. Following criteria are met: 0102 - Loss of function is a known mechanism of disease in this gene and is associated with infantile liver failure syndrome 2 (MIM#616483) and short stature, optic nerve atrophy, and Pelger-Huet anomaly (MIM#614800). (I) 0106 - This gene is associated with autosomal recessive disease. (I) 0211 - Canonical splice site variant without proven consequence on splicing (no functional evidence available). (SP) 0251 - This variant is heterozygous. (I) 0304 - Variant is present in gnomAD (v4) <0.01 for a recessive condition (8 heterozygotes, 0 homozygotes). (SP) 0505 - Abnormal splicing is predicted by in silico tools and affected nucleotide is highly conserved. (SP) 0705 - No comparable canonical splice variants have previous evidence for pathogenicity. (I) 0802 - This variant has moderate previous evidence of pathogenicity in unrelated individuals. It has been reported as pathogenic and likely pathogenic by clinical laboratories (ClinVar). In addition, it has been reported in one compound heterozygous individual with elevated liver transaminases and growth abnormalities (PMID: 31761904). (SP) 0905 - No published segregation evidence has been identified for this variant. (I) 1007 - No published functional evidence has been identified for this variant. (I) 1102 - Strong phenotype match for this individual. (I) Legend: (SP) - Supporting pathogenic, (I) - Information, (SB) - Supporting benign

Blueprint Genetics
Classification: Likely pathogenic for NBAS-related disorders. Last evaluated: 2024-09-23. Review status: criteria provided, single submitter. Criteria: ACMG Guidelines, 2015. Collection method: clinical testing. Allele origin: germline. Affected: yes. Observed: 3 variant alleles.

GeneDx
Classification: Pathogenic. Last evaluated: 2022-09-02. Review status: criteria provided, single submitter. Criteria: GeneDx Variant Classification Process June 2021. Collection method: clinical testing. Allele origin: germline. Affected: yes.
Comment: Canonical splice site variant predicted to result in a null allele in a gene for which loss of function is a known mechanism of disease; Not observed at significant frequency in large population cohorts (gnomAD); This variant is associated with the following publications: (PMID: 31761904)

CENTOGENE GmbH and LLC - Guiding Precision Medicine
Classification: Likely pathogenic for Short stature-optic atrophy-Pelger-Huët anomaly syndrome. Last evaluated: 2020-04-23. Review status: criteria provided, single submitter. Criteria: ACMG Guidelines, 2015. Collection method: clinical testing. Allele origin: germline. Affected: yes.

Literature cited by the submitters: PubMed 16199547 (cited by Labcorp Genetics (formerly Invitae), Labcorp); PubMed 26073778 (cited by Labcorp Genetics (formerly Invitae), Labcorp); PubMed 26541327 (cited by Labcorp Genetics (formerly Invitae), Labcorp); PubMed 27789416 (cited by Labcorp Genetics (formerly Invitae), Labcorp); PubMed 28031453 (cited by Labcorp Genetics (formerly Invitae), Labcorp); PubMed 31761904 (cited by Labcorp Genetics (formerly Invitae), Labcorp and Victorian Clinical Genetics Services, Murdoch Childrens Research Institute).